The following is an entry in ClinVar:

NM_144670.6(A2ML1):c.68dup (p.Tyr23Ter)

Genes: A2ML1 (alpha-2-macroglobulin like 1; plus strand), A2ML1-AS1 (A2ML1 antisense RNA 1; minus strand). Cytogenetic location: 12p13.31.
Variant type: Duplication.
Coding change: c.68dup on transcript NM_144670.6 (MANE Select); coding-DNA position 68, one base duplicated (A; older notation c.68dupA).
Protein change: p.Tyr23Ter; replaces tyrosine 23 with a stop codon.
Molecular consequence: nonsense.
Genome position (GRCh38, 1-based): chr12:8,823,187, A duplicated. VCF-style (leftmost placement, unchanged base first): chr12-8823186-T-TA. GRCh37 (hg19) VCF-style: chr12-8975782-T-TA.
Other names: short protein forms Y23*.
Identifiers: ClinVar variation 2081446 (VCV002081446.4), dbSNP rs1336669382, ClinGen allele CA603490398.

ClinVar aggregate classification (germline): Uncertain significance (1 of 4 stars; one submission).

Allele frequency attached by ClinVar (database versions not stated): gnomAD exomes below 0.00001.

Submission:

Labcorp Genetics (formerly Invitae), Labcorp
Classification: Uncertain significance. Last evaluated: 2025-08-24. Review status: criteria provided, single submitter. Criteria: Invitae Variant Classification Sherloc (09022015). Collection method: clinical testing. Allele origin: germline.
Comment: This sequence change creates a premature translational stop signal (p.Tyr23*) in the A2ML1 gene. It is expected to result in an absent or disrupted protein product. However, the current clinical and genetic evidence is not sufficient to establish whether loss-of-function variants in A2ML1 cause disease. This variant is present in population databases (no rsID available, gnomAD 0.01%). This variant has not been reported in the literature in individuals affected with A2ML1-related conditions. ClinVar contains an entry for this variant (Variation ID: 2081446). Algorithms developed to predict the effect of sequence changes on RNA splicing suggest that this variant may disrupt the consensus splice site. In summary, the available evidence is currently insufficient to determine the role of this variant in disease. Therefore, it has been classified as a Variant of Uncertain Significance.